The following is an entry in ClinVar:

NM_177438.3(DICER1):c.1842T>A (p.Tyr614Ter)

Gene: DICER1 (dicer 1, ribonuclease III; minus strand). Cytogenetic location: 14q32.13.
Variant type: single nucleotide variant.
Coding change: c.1842T>A on transcript NM_177438.3 (MANE Select); coding-DNA position 1842, T replaced by A.
Protein change: p.Tyr614Ter; replaces tyrosine 614 with a stop codon.
Molecular consequence: nonsense. On other transcripts: non-coding transcript variant (6).
Genome position (GRCh38, 1-based): chr14:95,115,732, A>T on the plus strand (T>A on the coding strand, the complement: DICER1 is on the minus strand). VCF-style: chr14-95115732-A-T. GRCh37 (hg19) VCF-style: chr14-95582069-A-T.
Other names: c.1842T>A, p.Tyr614Ter (NM_001195573.1, NM_001271282.3, NM_001291628.2 and 13 more transcripts); c.1560T>A, p.Tyr520Ter (NM_001395686.1); c.1437T>A, p.Tyr479Ter (NM_001395687.1, NM_001395688.1, NM_001395689.1 and 3 more transcripts); c.1275T>A, p.Tyr425Ter (NM_001395691.1); c.159T>A, p.Tyr53Ter (NM_001395697.1); short protein forms Y520*, Y53*, Y425*, Y479*, Y614*.
Identifiers: ClinVar variation 2127881 (VCV002127881.5), dbSNP rs1027487149, ClinGen allele CA390884012.

ClinVar aggregate classification (germline): Pathogenic/Likely pathogenic. Review status: criteria provided, multiple submitters, no conflicts (2 of 4 stars). 2 submissions from 2 submitters: Pathogenic (1); Likely pathogenic (1). Last evaluated 2022-07-11.

Conditions:
Global developmental delay - lung cysts - overgrowth - Wilms tumor syndrome. Also called: GLOW Syndrome; GLOBAL DEVELOPMENTAL DELAY, LUNG CYSTS, OVERGROWTH, AND WILMS TUMOR. Identifiers: Orphanet 404476, MedGen C4748924, MONDO:0018445, OMIM 618272.
DICER1-related tumor predisposition. Also called: DICER1 syndrome; DICER1-related pleuropulmonary blastoma cancer predisposition syndrome. Identifiers: Orphanet 284343, MedGen C3839822, MONDO:0100216.

Submissions (2):

Labcorp Genetics (formerly Invitae), Labcorp
Classification: Pathogenic for DICER1-related tumor predisposition. Last evaluated: 2022-07-11. Review status: criteria provided, single submitter. Criteria: Invitae Variant Classification Sherloc (09022015). Collection method: clinical testing. Allele origin: germline.
Comment: For these reasons, this variant has been classified as Pathogenic. This variant has not been reported in the literature in individuals affected with DICER1-related conditions. This variant is not present in population databases (gnomAD no frequency). This sequence change creates a premature translational stop signal (p.Tyr614*) in the DICER1 gene. It is expected to result in an absent or disrupted protein product. Loss-of-function variants in DICER1 are known to be pathogenic (PMID: 19556464, 21266384).

Baylor Genetics
Classification: Likely pathogenic for Global developmental delay - lung cysts - overgrowth - Wilms tumor syndrome. Last evaluated: 2021-08-30. Review status: criteria provided, single submitter. Criteria: ACMG Guidelines, 2015. Collection method: clinical testing. Allele origin: unknown.

Literature cited by the submitters: PubMed 19556464 (cited by Labcorp Genetics (formerly Invitae), Labcorp); PubMed 21266384 (cited by Labcorp Genetics (formerly Invitae), Labcorp).